The following is an entry in ClinVar:

ClinVar aggregate classification (germline): Benign. Review status: criteria provided, multiple submitters, no conflicts (2 of 4 stars). 2 submissions from 2 submitters: Benign (2). Last evaluated 2022-07-04.

Conditions:
Ectodermal dysplasia 11A, hypohidrotic/hair/tooth type, autosomal dominant. Identifiers: Orphanet 1810, Orphanet 238468, MedGen C3541517, MONDO:0013982, OMIM 614940.
Ectodermal dysplasia 11B, hypohidrotic/hair/tooth type, autosomal recessive. Identifiers: Orphanet 238468, Orphanet 248, MedGen C3539920, MONDO:0013983, OMIM 614941.
Hypohidrotic ectodermal dysplasia (HED). Identifiers: Orphanet 238468, MedGen C5848103, MONDO:0016535, HP:0007607.

Allele frequency attached by ClinVar (database versions not stated): gnomAD exomes 0.00032 and 0.00011; gnomAD 0.00119 and 0.00125; ESP Exome Variant Server 0.00169; ExAC 0.00045; TOPMed 0.00111; 1000 Genomes Project 30x 0.00141; 1000 Genomes Project 0.00160.
gnomAD v4.1: 351 of 1,606,714 alleles (0.022%); highest among the groups gnomAD compares: African/African-American, 0.42%; 3 homozygotes.

Submissions (2):

Labcorp Genetics (formerly Invitae), Labcorp
Classification: Benign for Ectodermal dysplasia 11B, hypohidrotic/hair/tooth type, autosomal recessive; Ectodermal dysplasia 11A, hypohidrotic/hair/tooth type, autosomal dominant. Last evaluated: 2022-07-04. Review status: criteria provided, single submitter. Criteria: Invitae Variant Classification Sherloc (09022015). Collection method: clinical testing. Allele origin: germline.

Illumina Laboratory Services, Illumina
Classification: Benign for Hypohidrotic ectodermal dysplasia. Last evaluated: 2018-01-13. Review status: criteria provided, single submitter. Criteria: ICSL Variant Classification Criteria 13 December 2019. Collection method: clinical testing. Allele origin: germline.
Comment: This variant was observed in the ICSL laboratory as part of a predisposition screen in an ostensibly healthy population. It had not been previously curated by ICSL or reported in the Human Gene Mutation Database (HGMD: prior to June 1st, 2018), and was therefore a candidate for classification through an automated scoring system. Utilizing variant allele frequency, disease prevalence and penetrance estimates, and inheritance mode, an automated score was calculated to assess if this variant is too frequent to cause the disease. Based on the score and internal cut-off values, a variant classified as benign is not then subjected to further curation. The score for this variant resulted in a classification of benign for this disease.

NM_145861.4(EDARADD):c.120+7G>A

Gene: EDARADD (EDAR associated via death domain; plus strand). Cytogenetic location: 1q43.
Variant type: single nucleotide variant.
Coding change: c.120+7G>A on transcript NM_145861.4 (MANE Select); 7 bases into the intron after coding-DNA position 120, G replaced by A.
Molecular consequence: intron variant.
Genome position (GRCh38, 1-based): chr1:236,409,281, G>A. VCF-style: chr1-236409281-G-A. GRCh37 (hg19) VCF-style: chr1-236572581-G-A.
Other names: c.54+7G>A (NM_001422628.1); c.90+7G>A (NM_080738.5).
Identifiers: ClinVar variation 876048 (VCV000876048.29), dbSNP rs149429886, ClinGen allele CA1469958.